The following is an entry in ClinVar:

NM_004113.6(FGF12):c.14-47654G>C

Gene: FGF12 (fibroblast growth factor 12; minus strand). Cytogenetic location: 3q28.
Variant type: single nucleotide variant.
Coding change: c.14-47654G>C on transcript NM_004113.6 (MANE Select); 47654 bases into the intron before coding-DNA position 14, G replaced by C.
Molecular consequence: intron variant. On other transcripts: missense variant (1).
Genome position (GRCh38, 1-based): chr3:192,408,192, C>G on the plus strand (G>C on the coding strand, the complement: FGF12 is on the minus strand). VCF-style: chr3-192408192-C-G. GRCh37 (hg19) VCF-style: chr3-192125981-C-G.
Other names: c.32G>C, p.Arg11Pro (NM_021032.5); c.-59-47654G>C (NM_001377293.1); c.14-72728G>C (NM_001377292.1); c.-60+1320G>C (NM_001377294.1); short protein forms R11P.
Identifiers: ClinVar variation 2826519 (VCV002826519.3), dbSNP rs2474488681, ClinGen allele CA355866889.
Genomic context (GRCh38, chr3:192,408,192, plus strand): 5'-GAGCGGCGCTTGGAGGCCGACACTCGGTCGCTGTTGGACTCCCTCGCCTGCCGCTTCTGC[C>G]GGATCAAGGAGCTGGCTATCGCCGCAGCCATAGCTGCTCAGCGAGGGCCTCAGGCCCCAG-3'

ClinVar aggregate classification (germline): Uncertain significance (1 of 4 stars; one submission).

Submission:

Labcorp Genetics (formerly Invitae), Labcorp
Classification: Uncertain significance. Last evaluated: 2025-01-28. Review status: criteria provided, single submitter. Criteria: Invitae Variant Classification Sherloc (09022015). Collection method: clinical testing. Allele origin: germline.
Comment: This sequence change replaces arginine, which is basic and polar, with proline, which is neutral and non-polar, at codon 11 of the FGF12 protein (p.Arg11Pro). This variant is not present in population databases (gnomAD no frequency). This variant has not been reported in the literature in individuals affected with FGF12-related conditions. ClinVar contains an entry for this variant (Variation ID: 2826519). An algorithm developed to predict the effect of missense changes on protein structure and function (PolyPhen-2) suggests that this variant is likely to be tolerated. Algorithms developed to predict the effect of sequence changes on RNA splicing suggest that this variant may create or strengthen a splice site. In summary, the available evidence is currently insufficient to determine the role of this variant in disease. Therefore, it has been classified as a Variant of Uncertain Significance.